The following is an entry in ClinVar:

ClinVar aggregate classification (germline): Uncertain significance (1 of 4 stars; one submission).

Conditions:
DICER1-related tumor predisposition. Also called: DICER1 syndrome; DICER1-related pleuropulmonary blastoma cancer predisposition syndrome. Identifiers: Orphanet 284343, MedGen C3839822, MONDO:0100216.

Submission:

Labcorp Genetics (formerly Invitae), Labcorp
Classification: Uncertain significance for DICER1-related tumor predisposition. Last evaluated: 2021-09-01. Review status: criteria provided, single submitter. Criteria: Invitae Variant Classification Sherloc (09022015). Collection method: clinical testing. Allele origin: germline.
Comment: This sequence change replaces isoleucine with methionine at codon 1032 of the DICER1 protein (p.Ile1032Met). The isoleucine residue is highly conserved and there is a small physicochemical difference between isoleucine and methionine. This variant is not present in population databases (ExAC no frequency). This variant has not been reported in the literature in individuals affected with DICER1-related conditions. Algorithms developed to predict the effect of missense changes on protein structure and function are either unavailable or do not agree on the potential impact of this missense change (SIFT: "Deleterious"; PolyPhen-2: "Probably Damaging"; Align-GVGD: "Class C0"). In summary, the available evidence is currently insufficient to determine the role of this variant in disease. Therefore, it has been classified as a Variant of Uncertain Significance.

NM_177438.3(DICER1):c.3096A>G (p.Ile1032Met)

Gene: DICER1 (dicer 1, ribonuclease III; minus strand). Cytogenetic location: 14q32.13.
Variant type: single nucleotide variant.
Coding change: c.3096A>G on transcript NM_177438.3 (MANE Select); coding-DNA position 3096, A replaced by G.
Protein change: p.Ile1032Met; replaces isoleucine 1032 with methionine.
Molecular consequence: missense variant. On other transcripts: non-coding transcript variant (6).
Genome position (GRCh38, 1-based): chr14:95,105,244, T>C on the plus strand (A>G on the coding strand, the complement: DICER1 is on the minus strand). VCF-style: chr14-95105244-T-C. GRCh37 (hg19) VCF-style: chr14-95571581-T-C.
Other names: c.3096A>G, p.Ile1032Met (NM_030621.4, NM_001195573.1, NM_001271282.3 and 13 more transcripts); c.2814A>G, p.Ile938Met (NM_001395686.1); c.2691A>G, p.Ile897Met (NM_001395687.1, NM_001395688.1, NM_001395689.1 and 2 more transcripts); c.2529A>G, p.Ile843Met (NM_001395691.1); c.1413A>G, p.Ile471Met (NM_001395697.1); short protein forms I471M, I897M, I1032M, I843M, I938M.
Identifiers: ClinVar variation 1987884 (VCV001987884.1), dbSNP rs1595371322, ClinGen allele CA390876970.